The following is an entry in ClinVar:

NM_001009944.3(PKD1):c.6961_6985del (p.Ser2321fs)

Gene: PKD1 (polycystin 1, transient receptor potential channel interacting; minus strand). Cytogenetic location: 16p13.3.
Variant type: Deletion.
Coding change: c.6961_6985del on transcript NM_001009944.3 (MANE Select); coding-DNA positions 6961 to 6985, 25 bases deleted (AGCACGGTCACCATTCCACGGGAGC).
Protein change: p.Ser2321fs; shifts the reading frame from serine 2321.
Molecular consequence: frameshift variant.
Genome position (GRCh38, 1-based): chr16:2,107,963-2,107,987, GCTCCCGTGGAATGGTGACCGTGCT deleted on the plus strand (AGCACGGTCACCATTCCACGGGAGC on the coding strand, the reverse complement: PKD1 is on the minus strand); deleting any 25 consecutive bases within chr16:2,107,963-2,107,994 gives the same sequence; the c. name uses the placement nearest the transcript's 3' end. VCF-style (leftmost placement, unchanged base first): chr16-2107962-CGCTCCCGTGGAATGGTGACCGTGCT-C. GRCh37 (hg19) VCF-style: chr16-2157963-CGCTCCCGTGGAATGGTGACCGTGCT-C.
Other names: c.6961_6985del, p.Ser2321fs (NM_000296.4); c.6961_6985del25 (NM_001009944.2); short protein forms S2321fs.
Identifiers: ClinVar variation 3347723 (VCV003347723.1).

ClinVar aggregate classification (germline): Pathogenic (0 of 4 stars; one submission).

Conditions:
PKD1-related disorder. Also called: PKD1-related condition.

Submission:

PreventionGenetics, part of Exact Sciences
Classification: Pathogenic for PKD1-related condition. Last evaluated: 2024-05-16. Review status: no assertion criteria provided. Collection method: clinical testing. Allele origin: germline.
Comment: The PKD1 c.6961_6985del25 variant is predicted to result in a frameshift and premature protein termination (p.Ser2321Glyfs*12). To our knowledge, this variant has not been reported in the literature or in a large population database, indicating this variant is rare. Frameshift variants in PKD1 are expected to be pathogenic. This variant is interpreted as pathogenic.